The following is an entry in ClinVar:

ClinVar aggregate classification (germline): Uncertain significance (1 of 4 stars; one submission).

Conditions:
Cardiac arrhythmia. Also called: Arrhythmia; Cardiac rhythm disease. Identifiers: MedGen C0003811, MONDO:0007263, HP:0011675.

Allele frequency attached by ClinVar (database versions not stated): TOPMed 0.00001; ESP Exome Variant Server 0.00008.

Submission:

Labcorp Genetics (formerly Invitae), Labcorp
Classification: Uncertain significance for Cardiac arrhythmia. Last evaluated: 2019-02-05. Review status: criteria provided, single submitter. Criteria: Invitae Variant Classification Sherloc (09022015). Collection method: clinical testing. Allele origin: germline.
Comment: This sequence change replaces aspartic acid with tyrosine at codon 179 of the RANGRF protein (p.Asp179Tyr). The aspartic acid residue is highly conserved and there is a large physicochemical difference between aspartic acid and tyrosine. This variant is present in population databases (rs374174477, ExAC 0.01%). This variant has not been reported in the literature in individuals with RANGRF-related conditions. Algorithms developed to predict the effect of missense changes on protein structure and function are either unavailable or do not agree on the potential impact of this missense change (SIFT: "Deleterious"; PolyPhen-2: "Probably Damaging"; Align-GVGD: "Class C15"). In summary, the available evidence is currently insufficient to determine the role of this variant in disease. Therefore, it has been classified as a Variant of Uncertain Significance.

NM_016492.5(RANGRF):c.535G>T (p.Asp179Tyr)

Genes: RANGRF (RAN guanine nucleotide release factor; plus strand), SLC25A35 (solute carrier family 25 member 35; minus strand). Cytogenetic location: 17p13.1.
Variant type: single nucleotide variant.
Coding change: c.535G>T on transcript NM_016492.5 (MANE Select); coding-DNA position 535, G replaced by T.
Protein change: p.Asp179Tyr; replaces aspartic acid 179 with tyrosine.
Molecular consequence: missense variant. On other transcripts: 3 prime UTR variant (3), synonymous variant (3), non-coding transcript variant (2).
Genome position (GRCh38, 1-based): chr17:8,289,910, G>T. VCF-style: chr17-8289910-G-T. GRCh37 (hg19) VCF-style: chr17-8193228-G-T.
Other names: c.*318G>T (NM_001177801.2); c.*349G>T (NM_001177802.2); c.*92G>T (NM_001330127.2); c.804C>A, p.Ile268= (NM_001320871.2, NM_001320872.2, NM_201520.3); short protein forms D179Y.
Identifiers: ClinVar variation 846279 (VCV000846279.11), dbSNP rs374174477, ClinGen allele CA8374466.
Genomic context (GRCh38, chr17:8,289,910, plus strand): 5'-TCACCTGCACCCTGGAGCCTGGGTGACTTTGAACAGCTGGTGACCAGTCTGACCCTTCAC[G>T]ATCCTAACATCTTTGGTCCCCAGTAAAGGCGCTGAAGCACTGCATGATGTTGCTGAGAAC-3'
Protein context (NP_057576.2, residues 169-186): EQLVTSLTLH[Asp179Tyr]PNIFGPQ